The following is an entry in ClinVar:

ClinVar aggregate classification (germline): Benign/Likely benign. Review status: criteria provided, multiple submitters, no conflicts (2 of 4 stars). 6 submissions from 5 submitters: Benign (5); Likely benign (1). Last evaluated 2026-02-04.

Conditions:
Perry syndrome. Also called: PARKINSONISM WITH ALVEOLAR HYPOVENTILATION AND MENTAL DEPRESSION. Identifiers: Orphanet 178509, MedGen C1868594, MONDO:0008201, OMIM 168605.
Neuronopathy, distal hereditary motor, type 7B. Also called: HMN VIIB; LOWER MOTOR NEURON DISEASE, DYNACTIN TYPE; NEURONOPATHY, DISTAL HEREDITARY MOTOR, AUTOSOMAL DOMINANT 14; NEURONOPATHY, DISTAL HEREDITARY MOTOR, HARDING TYPE VIIB; NEUROPATHY, DISTAL HEREDITARY MOTOR, HARDING TYPE VIIB; NEUROPATHY, DISTAL HEREDITARY MOTOR, WITH VOCAL CORD PARALYSIS, HARDING TYPE VIIB. Identifiers: Orphanet 139589, MedGen C1843315, MONDO:0011879, OMIM 607641.
Inborn genetic diseases. Identifiers: MedGen C0950123, MeSH D030342.
Amyotrophic lateral sclerosis type 1 (ALS1). Also called: AMYOTROPHIC LATERAL SCLEROSIS 1, FAMILIAL. Identifiers: Orphanet 803, MedGen C1862939, MONDO:0007103, OMIM 105400.

Allele frequency attached by ClinVar (database versions not stated): gnomAD exomes 0.00025; ExAC 0.00034; gnomAD 0.00086; TOPMed 0.00092; ESP Exome Variant Server 0.00123.
gnomAD v4.1: 212 of 1,613,494 alleles (0.013%); highest among the groups gnomAD compares: African/African-American, 0.24%; no homozygotes.

Submissions (6):

Labcorp Genetics (formerly Invitae), Labcorp
Classification: Benign for Amyotrophic lateral sclerosis type 1; Neuronopathy, distal hereditary motor, type 7B; Perry syndrome. Last evaluated: 2026-02-04. Review status: criteria provided, single submitter. Criteria: Invitae Variant Classification Sherloc (09022015). Collection method: clinical testing. Allele origin: germline.

Mayo Clinic Laboratories, Mayo Clinic
Classification: Benign. Last evaluated: 2025-07-29. Review status: criteria provided, single submitter. Criteria: ACMG Guidelines, 2015. Collection method: clinical testing. Allele origin: germline. Observed: 3 variant alleles.
Comment: BS1, BS2, BP4, BP7

Ambry Genetics
Classification: Likely benign for Inborn genetic diseases. Last evaluated: 2019-07-11. Review status: criteria provided, single submitter. Criteria: Ambry Variant Classification Scheme 2023. Collection method: clinical testing. Allele origin: germline.

Athena Diagnostics
Classification: Benign. Last evaluated: 2018-06-20. Review status: criteria provided, single submitter. Criteria: Athena Diagnostics Criteria. Collection method: clinical testing. Allele origin: germline.

Illumina Laboratory Services, Illumina
Classification: Benign for Perry syndrome. Last evaluated: 2018-01-13. Review status: criteria provided, single submitter. Criteria: ICSL Variant Classification Criteria 13 December 2019. Collection method: clinical testing. Allele origin: germline.
Comment: This variant was observed in the ICSL laboratory as part of a predisposition screen in an ostensibly healthy population. It had not been previously curated by ICSL or reported in the Human Gene Mutation Database (HGMD: prior to June 1st, 2018), and was therefore a candidate for classification through an automated scoring system. Utilizing variant allele frequency, disease prevalence and penetrance estimates, and inheritance mode, an automated score was calculated to assess if this variant is too frequent to cause the disease. Based on the score and internal cut-off values, a variant classified as benign is not then subjected to further curation. The score for this variant resulted in a classification of benign for this disease.

Illumina Laboratory Services, Illumina
Classification: Benign for Neuronopathy, distal hereditary motor, type 7B. Last evaluated: 2018-01-13. Review status: criteria provided, single submitter. Criteria: ICSL Variant Classification Criteria 13 December 2019. Collection method: clinical testing. Allele origin: germline.
Comment: the same text as in the submission from Illumina Laboratory Services, Illumina above.

NM_004082.5(DCTN1):c.3498G>A (p.Thr1166=)

Gene: DCTN1 (dynactin subunit 1; minus strand). Cytogenetic location: 2p13.1.
Variant type: single nucleotide variant.
Coding change: c.3498G>A on transcript NM_004082.5 (MANE Select); coding-DNA position 3498, G replaced by A.
Protein change: p.Thr1166=; no amino-acid change (threonine 1166 retained).
Molecular consequence: synonymous variant. On other transcripts: non-coding transcript variant (1).
Genome position (GRCh38, 1-based): chr2:74,363,025, C>T on the plus strand (G>A on the coding strand, the complement: DCTN1 is on the minus strand). VCF-style: chr2-74363025-C-T. GRCh37 (hg19) VCF-style: chr2-74590152-C-T.
Other names: p.Thr1166=; c.3423G>A, p.Thr1141= (NM_001135040.3); c.3081G>A, p.Thr1027= (NM_001135041.3); c.3372G>A, p.Thr1124= (NM_001190836.2); c.3477G>A, p.Thr1159= (NM_001190837.2); c.3447G>A, p.Thr1149= (NM_001378991.1); c.3429G>A, p.Thr1143= (NM_001378992.1); c.3096G>A, p.Thr1032= (NM_023019.4).
Identifiers: ClinVar variation 337073 (VCV000337073.19), dbSNP rs142030960, ClinGen allele CA1721478.